The following is an entry in ClinVar:

NM_005631.5(SMO):c.1285A>G (p.Ile429Val)

Gene: SMO (smoothened, frizzled class receptor; plus strand). Cytogenetic location: 7q32.1.
Variant type: single nucleotide variant.
Coding change: c.1285A>G on transcript NM_005631.5 (MANE Select); coding-DNA position 1285, A replaced by G.
Protein change: p.Ile429Val; replaces isoleucine 429 with valine.
Molecular consequence: missense variant.
Genome position (GRCh38, 1-based): chr7:129,208,779, A>G. VCF-style: chr7-129208779-A-G. GRCh37 (hg19) VCF-style: chr7-128848620-A-G.
Other names: short protein forms I429V.
Identifiers: ClinVar variation 4279736 (VCV004279736.1).

ClinVar aggregate classification (germline): Uncertain significance (1 of 4 stars; one submission).

Conditions:
Congenital hypothalamic hamartoma syndrome. Also called: PALLISTER-HALL-LIKE SYNDROME. Identifiers: MedGen C5435677, MONDO:0009436, OMIM 241800.

gnomAD v4.1: 6 of 1,613,450 alleles (0.00037%); highest among the groups gnomAD compares: Non-Finnish European, 0.00042%; no homozygotes.

Submission:

Clinical Genomics Laboratory, Washington University in St. Louis
Classification: Uncertain significance for Congenital hypothalamic hamartoma syndrome. Last evaluated: 2025-04-16. Review status: criteria provided, single submitter. Criteria: ACMG Guidelines, 2015. Collection method: clinical testing. Allele origin: germline.
Comment: A SMO c.1285A>G (p.Ile429Val) variant was identified at a near heterozygous allelic fraction of 47.7%, a frequency which may be consistent with germline origin. This variant, to our knowledge, has not been reported in the medical literature. It is only observed on 6/1,613,450 alleles in the general population (gnomAD v.4.1.0), indicating it is not a common variant. Computational predictors are uncertain as to the impact of this variant on SMO function. Due to limited information, and based on ACMG/AMP guidelines for variant interpretation (Richards S et al., PMID: 25741868), the clinical significance of this variant is uncertain at this time.